The following is an entry in ClinVar:

ClinVar aggregate classification (germline): Uncertain significance (1 of 4 stars; one submission).

Conditions:
Kohlschutter-Tonz syndrome-like. Also called: DEN HOED-DE BOER-VOISIN SYNDROME. Identifiers: MedGen C5543202, MONDO:0030990, OMIM 619229.

gnomAD v4.1: 1 of 1,613,556 alleles (0.000062%); highest among the groups gnomAD compares: Non-Finnish European, 0.000085%; no homozygotes.

Submission:

Victorian Clinical Genetics Services, Murdoch Childrens Research Institute
Classification: Uncertain significance for Kohlschutter-Tonz syndrome-like. Last evaluated: 2022-09-02. Review status: criteria provided, single submitter. Criteria: ACMG Guidelines, 2015. Collection method: clinical testing. Allele origin: germline. Inheritance: Autosomal dominant inheritance. Affected: yes.
Comment: Based on the classification scheme VCGS_Germline_v1.3.4, this variant is classified as VUS-3C. Following criteria are met: 0103 - Dominant negative or gain of function is a known mechanism of disease in this gene and is associated with Kohlschutter-Tonz syndrome-like (MIM#619229). Loss of function is a known mechanism of disease in this gene and is associated with Developmental delay with dysmorphic facies and dental anomalies (MIM#619228) which has a milder phenotype (PMID 33513338). (I) 0107 - This gene is associated with autosomal dominant disease. (I) 0200 - Variant is predicted to result in a missense amino acid change from valine to methionine. (I) 0251 - This variant is heterozygous. (I) 0302 - Variant is present in gnomAD (v3) <0.001 for a dominant condition (1 heterozygote, 0 homozygote). (SP) 0309 - An alternative amino acid change at the same position has been observed in gnomAD (v2) (14 heterozygotes, 0 homozygotes). (I) 0502 - Missense variant with conflicting in silico predictions and uninformative conservation. (I) 0604 - Variant is not located in an established domain, motif, hotspot, or informative constraint region. (I) 0705 - No comparable missense variants have previous evidence for pathogenicity. (I) 0807 - This variant has no previous evidence of pathogenicity. (I) 0905 - No published segregation evidence has been identified for this variant. (I) 1007 - No published functional evidence has been identified for this variant. (I) 1208 - Inheritance information for this variant is not currently available in this individual. (I) Legend: (SP) - Supporting pathogenic, (I) - Information, (SB) - Supporting benign

Literature cited by the submitters: PubMed 33513338.

NM_002971.6(SATB1):c.301G>A (p.Val101Met)

Gene: SATB1 (SATB homeobox 1; minus strand). Cytogenetic location: 3p24.3.
Variant type: single nucleotide variant.
Coding change: c.301G>A on transcript NM_002971.6 (MANE Select); coding-DNA position 301, G replaced by A.
Protein change: p.Val101Met; replaces valine 101 with methionine.
Molecular consequence: missense variant.
Genome position (GRCh38, 1-based): chr3:18,416,989, C>T on the plus strand (G>A on the coding strand, the complement: SATB1 is on the minus strand). VCF-style: chr3-18416989-C-T. GRCh37 (hg19) VCF-style: chr3-18458481-C-T.
Other names: c.301G>A, p.Val101Met (NM_001131010.4, NM_001195470.3, NM_001322871.2 and 4 more transcripts); c.85G>A, p.Val29Met (NM_001322876.2); short protein forms V101M, V29M.
Identifiers: ClinVar variation 1805953 (VCV001805953.1), dbSNP rs758668882, ClinGen allele CA351861670.